The following is an entry in ClinVar:

ClinVar aggregate classification (germline): Uncertain significance. Review status: criteria provided, multiple submitters, no conflicts (2 of 4 stars). 2 submissions from 2 submitters: Uncertain significance (2). Last evaluated 2024-11-21.

gnomAD v4.1: 6 of 1,602,370 alleles (0.00037%); highest among the groups gnomAD compares: Admixed American, 0.01%; no homozygotes.

Submissions (2):

Labcorp Genetics (formerly Invitae), Labcorp
Classification: Uncertain significance. Last evaluated: 2024-11-21. Review status: criteria provided, single submitter. Criteria: Invitae Variant Classification Sherloc (09022015). Collection method: clinical testing. Allele origin: germline.
Comment: This sequence change replaces threonine, which is neutral and polar, with lysine, which is basic and polar, at codon 646 of the TSPEAR protein (p.Thr646Lys). This variant is present in population databases (rs782251764, gnomAD 0.02%). This variant has not been reported in the literature in individuals affected with TSPEAR-related conditions. Invitae Evidence Modeling of protein sequence and biophysical properties (such as structural, functional, and spatial information, amino acid conservation, physicochemical variation, residue mobility, and thermodynamic stability) indicates that this missense variant is not expected to disrupt TSPEAR protein function with a negative predictive value of 80%. In summary, the available evidence is currently insufficient to determine the role of this variant in disease. Therefore, it has been classified as a Variant of Uncertain Significance.

GeneDx
Classification: Uncertain significance. Last evaluated: 2023-05-01. Review status: criteria provided, single submitter. Criteria: GeneDx Variant Classification Process June 2021. Collection method: clinical testing. Allele origin: germline. Affected: yes.
Comment: In silico analysis supports that this missense variant does not alter protein structure/function; Has not been previously published as pathogenic or benign to our knowledge

NM_144991.3(TSPEAR):c.1937C>A (p.Thr646Lys)

Gene: TSPEAR (thrombospondin type laminin G domain and EAR repeats; minus strand). Cytogenetic location: 21q22.3.
Variant type: single nucleotide variant.
Coding change: c.1937C>A on transcript NM_144991.3 (MANE Select); coding-DNA position 1937, C replaced by A.
Protein change: p.Thr646Lys; replaces threonine 646 with lysine.
Molecular consequence: missense variant.
Genome position (GRCh38, 1-based): chr21:44,499,856, G>T on the plus strand (C>A on the coding strand, the complement: TSPEAR is on the minus strand). VCF-style: chr21-44499856-G-T. GRCh37 (hg19) VCF-style: chr21-45919739-G-T.
Other names: c.1733C>A, p.Thr578Lys (NM_001272037.2); short protein forms T578K, T646K.
Identifiers: ClinVar variation 3343182 (VCV003343182.3).
Genomic context (GRCh38, chr21:44,499,856, plus strand): 5'-AGCCGCAGGACCCTGGAGAGGGGCTCCTTGGCGCTGGAGTAGATGAGGTAGGCACCAGCC[G>T]TGGTGCTGAAGGCCTCCCAGTCCCTGCAGCCGACGGTGGGGAGGCTGTGCACCGCCACGA-3'
Protein context (NP_659428.2, residues 636-656): GCRDWEAFST[Thr646Lys]AGAYLIYSSA